The following is an entry in ClinVar:

NM_014003.4(DHX38):c.934C>T (p.Arg312Trp)

Gene: DHX38 (DEAH-box helicase 38; plus strand). Cytogenetic location: 16q22.2.
Variant type: single nucleotide variant.
Coding change: c.934C>T on transcript NM_014003.4 (MANE Select); coding-DNA position 934, C replaced by T.
Protein change: p.Arg312Trp; replaces arginine 312 with tryptophan.
Molecular consequence: missense variant.
Genome position (GRCh38, 1-based): chr16:72,099,254, C>T. VCF-style: chr16-72099254-C-T. GRCh37 (hg19) VCF-style: chr16-72133153-C-T.
Other names: short protein forms R312W.
Identifiers: ClinVar variation 940198 (VCV000940198.10), dbSNP rs2042064435, ClinGen allele CA396703862.

ClinVar aggregate classification (germline): Uncertain significance. Review status: criteria provided, multiple submitters, no conflicts (2 of 4 stars). 2 submissions from 2 submitters: Uncertain significance (2). Last evaluated 2025-03-22.

Allele frequency attached by ClinVar (database versions not stated): gnomAD exomes 0.00001; TOPMed 0.00001.
gnomAD v4.1: 13 of 1,612,566 alleles (0.00081%); highest among the groups gnomAD compares: Middle Eastern, 0.018%; no homozygotes.

Submissions (2):

Ambry Genetics
Classification: Uncertain significance. Last evaluated: 2025-03-22. Review status: criteria provided, single submitter. Criteria: Ambry Variant Classification Scheme 2023. Collection method: clinical testing. Allele origin: germline.

Labcorp Genetics (formerly Invitae), Labcorp
Classification: Uncertain significance. Last evaluated: 2022-07-26. Review status: criteria provided, single submitter. Criteria: Invitae Variant Classification Sherloc (09022015). Collection method: clinical testing. Allele origin: germline.
Comment: This sequence change replaces arginine, which is basic and polar, with tryptophan, which is neutral and slightly polar, at codon 312 of the DHX38 protein (p.Arg312Trp). This variant is not present in population databases (gnomAD no frequency). In summary, the available evidence is currently insufficient to determine the role of this variant in disease. Therefore, it has been classified as a Variant of Uncertain Significance. Algorithms developed to predict the effect of missense changes on protein structure and function are either unavailable or do not agree on the potential impact of this missense change (SIFT: "Deleterious"; PolyPhen-2: "Possibly Damaging"; Align-GVGD: "Class C0"). ClinVar contains an entry for this variant (Variation ID: 940198). This variant has not been reported in the literature in individuals affected with DHX38-related conditions.